The following is an entry in ClinVar:

ClinVar aggregate classification (germline): Likely benign. Review status: criteria provided, multiple submitters, no conflicts (2 of 4 stars). 2 submissions from 2 submitters: Likely benign (2). Last evaluated 2026-09-01.

gnomAD v4.1: 163 of 1,614,148 alleles (0.01%); highest among the groups gnomAD compares: Non-Finnish European, 0.012%; no homozygotes.

Submissions (2):

CeGaT Center for Human Genetics Tuebingen
Classification: Likely benign. Last evaluated: 2026-09-01. Review status: criteria provided, single submitter. Criteria: CeGaT Center For Human Genetics Tuebingen Variant Classification Criteria Version 2. Collection method: clinical testing. Allele origin: germline. Affected: yes. Observed: 1 variant allele.
Comment: CASZ1: BP4, BP7

Blueprint Genetics
Classification: Likely benign. Last evaluated: 2024-11-18. Review status: criteria provided, single submitter. Criteria: ACMG Guidelines, 2015. Collection method: clinical testing. Allele origin: germline.

NM_001079843.3(CASZ1):c.936C>T (p.Tyr312=)

Gene: CASZ1 (castor zinc finger 1; minus strand). Cytogenetic location: 1p36.22.
Variant type: single nucleotide variant.
Coding change: c.936C>T on transcript NM_001079843.3 (MANE Select); coding-DNA position 936, C replaced by T.
Protein change: p.Tyr312=; no amino-acid change (tyrosine 312 retained).
Molecular consequence: synonymous variant.
Genome position (GRCh38, 1-based): chr1:10,660,106, G>A on the plus strand (C>T on the coding strand, the complement: CASZ1 is on the minus strand). VCF-style: chr1-10660106-G-A. GRCh37 (hg19) VCF-style: chr1-10720163-G-A.
Other names: c.936C>T, p.Tyr312= (NM_017766.5).
Identifiers: ClinVar variation 4954968 (VCV004954968.2).